The following is an entry in ClinVar:

NM_001166108.2(PALLD):c.1043A>G (p.Asn348Ser)

Gene: PALLD (palladin, cytoskeletal associated protein; plus strand). Cytogenetic location: 4q32.3.
Variant type: single nucleotide variant.
Coding change: c.1043A>G on transcript NM_001166108.2 (MANE Select); coding-DNA position 1043, A replaced by G.
Protein change: p.Asn348Ser; replaces asparagine 348 with serine.
Molecular consequence: missense variant. On other transcripts: 5 prime UTR variant (1).
Genome position (GRCh38, 1-based): chr4:168,668,324, A>G. VCF-style: chr4-168668324-A-G. GRCh37 (hg19) VCF-style: chr4-169589475-A-G.
Other names: c.-104A>G (NM_001166109.2); c.1043A>G, p.Asn348Ser (NM_016081.4); short protein forms N348S.
Identifiers: ClinVar variation 3226708 (VCV003226708.1), dbSNP rs777545351, ClinGen allele CA3135495.

ClinVar aggregate classification (germline): Uncertain significance (1 of 4 stars; one submission).

Allele frequency attached by ClinVar (database versions not stated): gnomAD exomes below 0.00001; ExAC 0.00001.

Submission:

Ambry Genetics
Classification: Uncertain significance. Last evaluated: 2023-10-12. Review status: criteria provided, single submitter. Criteria: Ambry Variant Classification Scheme 2023. Collection method: clinical testing. Allele origin: germline.
Comment: The p.N348S variant (also known as c.1043A>G), located in coding exon 2 of the PALLD gene, results from an A to G substitution at nucleotide position 1043. The asparagine at codon 348 is replaced by serine, an amino acid with highly similar properties. This amino acid position is conserved. In addition, the in silico prediction for this alteration is inconclusive. Since supporting evidence is limited at this time, the clinical significance of this alteration remains unclear.